The following is an entry in ClinVar:

ClinVar aggregate classification (germline): Uncertain significance (1 of 4 stars; one submission).

Allele frequency attached by ClinVar (database versions not stated): gnomAD exomes below 0.00001.
gnomAD v4.1: 1 of 1,212,056 alleles (0.000083%); highest among the groups gnomAD compares: Non-Finnish European, 0.00011%; no homozygotes.

Submission:

GeneDx
Classification: Uncertain significance. Last evaluated: 2019-11-10. Review status: criteria provided, single submitter. Criteria: GeneDx Variant Classification Process June 2021. Collection method: clinical testing. Allele origin: germline. Affected: yes.
Comment: Not observed in large population cohorts (Lek et al., 2016); In silico analysis, which includes protein predictors and evolutionary conservation, supports a deleterious effect; Has not been previously published as pathogenic or benign to our knowledge

NM_015922.3(NSDHL):c.1058T>C (p.Val353Ala)

Gene: NSDHL (NAD(P) dependent 3-beta-hydroxysteroid dehydrogenase NSDHL; plus strand). Cytogenetic location: Xq28.
Variant type: single nucleotide variant.
Coding change: c.1058T>C on transcript NM_015922.3 (MANE Select); coding-DNA position 1058, T replaced by C.
Protein change: p.Val353Ala; replaces valine 353 with alanine.
Molecular consequence: missense variant.
Genome position (GRCh38, 1-based): chrX:152,869,052, T>C. VCF-style: chrX-152869052-T-C. GRCh37 (hg19) VCF-style: chrX-152037596-T-C.
Other names: c.1058T>C, p.Val353Ala (NM_001129765.2); short protein forms V353A.
Identifiers: ClinVar variation 1309952 (VCV001309952.2), dbSNP rs2125017673, ClinGen allele CA415287604.
Genomic context (GRCh38, chrX:152,869,052, plus strand): 5'-GCACATTCCACTACTACAGCTGCGAGAGAGCCAAAAAGGCCATGGGCTACCAGCCACTAG[T>C]GACCATGGATGATGCTATGGAGAGGACCGTGCAGAGCTTTCGCCACCTGCGGAGGGTCAA-3'
Protein context (NP_057006.1, residues 343-363): AKKAMGYQPL[Val353Ala]TMDDAMERTV